The following is an entry in ClinVar:

ClinVar aggregate classification (germline): Uncertain significance (1 of 4 stars; one submission).

Conditions:
RASopathy. Also called: Noonan spectrum disorder; rasopathies. Identifiers: Orphanet 536391, MedGen C5555857, MONDO:0021060.

Allele frequency attached by ClinVar (database versions not stated): gnomAD 0.00001.
gnomAD v4.1: 1 of 1,613,944 alleles (0.000062%); highest among the groups gnomAD compares: African/African-American, 0.0013%; no homozygotes.

Submission:

Labcorp Genetics (formerly Invitae), Labcorp
Classification: Uncertain significance for RASopathy. Last evaluated: 2025-09-04. Review status: criteria provided, single submitter. Criteria: Invitae Variant Classification Sherloc (09022015). Collection method: clinical testing. Allele origin: germline.
Comment: This sequence change replaces valine, which is neutral and non-polar, with isoleucine, which is neutral and non-polar, at codon 86 of the MAP2K2 protein (p.Val86Ile). This variant is not present in population databases (gnomAD no frequency). This variant has not been reported in the literature in individuals affected with MAP2K2-related conditions. ClinVar contains an entry for this variant (Variation ID: 2193043). Invitae Evidence Modeling of protein sequence and biophysical properties (such as structural, functional, and spatial information, amino acid conservation, physicochemical variation, residue mobility, and thermodynamic stability) has been performed for this missense variant. However, the output from this modeling did not meet the statistical confidence thresholds required to predict the impact of this variant on MAP2K2 protein function. In summary, the available evidence is currently insufficient to determine the role of this variant in disease. Therefore, it has been classified as a Variant of Uncertain Significance.

NM_030662.4(MAP2K2):c.256G>A (p.Val86Ile)

Gene: MAP2K2 (mitogen-activated protein kinase kinase 2; minus strand). Cytogenetic location: 19p13.3.
Variant type: single nucleotide variant.
Coding change: c.256G>A on transcript NM_030662.4 (MANE Select); coding-DNA position 256, G replaced by A.
Protein change: p.Val86Ile; replaces valine 86 with isoleucine.
Molecular consequence: missense variant.
Genome position (GRCh38, 1-based): chr19:4,117,466, C>T on the plus strand (G>A on the coding strand, the complement: MAP2K2 is on the minus strand). VCF-style: chr19-4117466-C-T. GRCh37 (hg19) VCF-style: chr19-4117464-C-T.
Other names: short protein forms V86I.
Identifiers: ClinVar variation 2193043 (VCV002193043.4), dbSNP rs2041237616, ClinGen allele CA403392493.